The following is an entry in ClinVar:

NM_006612.6(KIF1C):c.1684C>T (p.Pro562Ser)

Genes: KIF1C (kinesin family member 1C; plus strand), KIF1C-AS1 (KIF1C antisense RNA 1; minus strand), LOC126862473 (CDK7 strongly-dependent group 2 enhancer GRCh37_chr17:4923264-4924463; plus strand). Cytogenetic location: 17p13.2.
Variant type: single nucleotide variant.
Coding change: c.1684C>T on transcript NM_006612.6 (MANE Select); coding-DNA position 1684, C replaced by T.
Protein change: p.Pro562Ser; replaces proline 562 with serine.
Molecular consequence: missense variant. On other transcripts: non-coding transcript variant (1).
Genome position (GRCh38, 1-based): chr17:5,020,013, C>T. VCF-style: chr17-5020013-C-T. GRCh37 (hg19) VCF-style: chr17-4923308-C-T.
Other names: short protein forms P562S.
Identifiers: ClinVar variation 1306293 (VCV001306293.2), dbSNP rs1285088031, ClinGen allele CA397309584.

ClinVar aggregate classification (germline): Uncertain significance (1 of 4 stars; one submission).

Allele frequency attached by ClinVar (database versions not stated): TOPMed below 0.00001; gnomAD 0.00001.
gnomAD v4.1: 2 of 1,604,706 alleles (0.00012%); highest among the groups gnomAD compares: Non-Finnish European, 0.00017%; no homozygotes.

Submission:

GeneDx
Classification: Uncertain significance. Last evaluated: 2019-06-10. Review status: criteria provided, single submitter. Criteria: GeneDx Variant Classification Process June 2021. Collection method: clinical testing. Allele origin: germline. Affected: yes.
Comment: Not observed in large population cohorts (Lek et al., 2016); In silico analysis, which includes protein predictors and evolutionary conservation, supports a deleterious effect; Has not been previously published as pathogenic or benign to our knowledge